The following is an entry in ClinVar:

NM_017841.4(SDHAF2):c.478T>C (p.Tyr160His)

Gene: SDHAF2 (succinate dehydrogenase complex assembly factor 2; plus strand). Cytogenetic location: 11q12.2.
Variant type: single nucleotide variant.
Coding change: c.478T>C on transcript NM_017841.4 (MANE Select); coding-DNA position 478, T replaced by C.
Protein change: p.Tyr160His; replaces tyrosine 160 with histidine.
Molecular consequence: missense variant.
Genome position (GRCh38, 1-based): chr11:61,446,048, T>C. VCF-style: chr11-61446048-T-C. GRCh37 (hg19) VCF-style: chr11-61213520-T-C.
Other names: c.478T>C (NM_017841.2); short protein forms Y160H.
Identifiers: ClinVar variation 1062125 (VCV001062125.10), dbSNP rs2134902155, ClinGen allele CA380685563.

ClinVar aggregate classification (germline): Uncertain significance. Review status: criteria provided, multiple submitters, no conflicts (2 of 4 stars). 3 submissions from 3 submitters: Uncertain significance (3). Last evaluated 2025-06-17.

Conditions:
Hereditary cancer-predisposing syndrome. Also called: Tumor predisposition; Neoplastic Syndromes, Hereditary; Hereditary Cancer Syndrome; Hereditary neoplastic syndrome. Identifiers: Orphanet 140162, MedGen C0027672, MeSH D009386, MONDO:0015356.
Hereditary pheochromocytoma and paraganglioma. Also called: Hereditary paragangliomas and pheochromocytomas; Hereditary pheochromocytoma-paraganglioma; Hereditary Paraganglioma-Pheochromocytoma Syndromes. Identifiers: Orphanet 29072, MedGen C4274332, MONDO:0017366.

Allele frequency attached by ClinVar (database versions not stated): gnomAD exomes below 0.00001.
gnomAD v4.1: 1 of 1,614,172 alleles (0.000062%); highest among the groups gnomAD compares: Non-Finnish European, 0.000085%; no homozygotes.

Submissions (3):

Color Diagnostics, LLC DBA Color Health
Classification: Uncertain significance for Hereditary pheochromocytoma and paraganglioma. Last evaluated: 2025-06-17. Review status: criteria provided, single submitter. Criteria: ACMG Guidelines, 2015. Collection method: clinical testing. Allele origin: germline.
Comment: This missense variant replaces tyrosine with histidine at codon 160 of the SDHAF2 protein. Computational prediction is inconclusive regarding the impact of this variant on protein structure and function. To our knowledge, functional studies have not been reported for this variant. This variant has not been reported in individuals affected with SDHAF2-related disorders in the literature. This variant has not been identified in the general population by the Genome Aggregation Database (gnomAD). The available evidence is insufficient to determine the role of this variant in disease conclusively. Therefore, this variant is classified as a Variant of Uncertain Significance.

Ambry Genetics
Classification: Uncertain significance for Hereditary cancer-predisposing syndrome. Last evaluated: 2025-02-05. Review status: criteria provided, single submitter. Criteria: Ambry Variant Classification Scheme 2023. Collection method: clinical testing. Allele origin: germline.
Comment: The p.Y160H variant (also known as c.478T>C), located in coding exon 4 of the SDHAF2 gene, results from a T to C substitution at nucleotide position 478. The tyrosine at codon 160 is replaced by histidine, an amino acid with similar properties. This amino acid position is conserved. In addition, the in silico prediction for this alteration is inconclusive. Based on the available evidence, the clinical significance of this variant remains unclear.

Labcorp Genetics (formerly Invitae), Labcorp
Classification: Uncertain significance for Hereditary pheochromocytoma and paraganglioma. Last evaluated: 2020-04-21. Review status: criteria provided, single submitter. Criteria: Invitae Variant Classification Sherloc (09022015). Collection method: clinical testing. Allele origin: germline.
Comment: In summary, the available evidence is currently insufficient to determine the role of this variant in disease. Therefore, it has been classified as a Variant of Uncertain Significance. Algorithms developed to predict the effect of missense changes on protein structure and function are either unavailable or do not agree on the potential impact of this missense change (SIFT: "Tolerated"; PolyPhen-2: "Probably Damaging"; Align-GVGD: "Class C0"). This variant has not been reported in the literature in individuals with SDHAF2-related conditions. This variant is not present in population databases (ExAC no frequency). This sequence change replaces tyrosine with histidine at codon 160 of the SDHAF2 protein (p.Tyr160His). The tyrosine residue is moderately conserved and there is a moderate physicochemical difference between tyrosine and histidine.